The following is an entry in ClinVar:

NM_001008723.2(CFAP58):c.2039+3A>G

Gene: CFAP58 (cilia and flagella associated protein 58; plus strand). Cytogenetic location: 10q25.1.
Variant type: single nucleotide variant.
Coding change: c.2039+3A>G on transcript NM_001008723.2 (MANE Select); 3 bases into the intron after coding-DNA position 2039, A replaced by G.
Molecular consequence: intron variant.
Genome position (GRCh38, 1-based): chr10:104,400,906, A>G. VCF-style: chr10-104400906-A-G. GRCh37 (hg19) VCF-style: chr10-106160664-A-G.
Other names: c.1985+3A>G (NM_001400226.1, NM_001400227.1).
Identifiers: ClinVar variation 2578622 (VCV002578622.25), dbSNP rs749988574, ClinGen allele CA5683029.

ClinVar aggregate classification (germline): Uncertain significance (1 of 4 stars; one submission).

Allele frequency attached by ClinVar (database versions not stated): ExAC 0.00001; gnomAD 0.00003; gnomAD exomes 0.00004; TOPMed 0.00005.
gnomAD v4.1: 59 of 1,611,356 alleles (0.0037%); highest among the groups gnomAD compares: Middle Eastern, 0.049%; no homozygotes.

Submission:

CeGaT Center for Human Genetics Tuebingen
Classification: Uncertain significance. Last evaluated: 2023-07-01. Review status: criteria provided, single submitter. Criteria: CeGaT Center For Human Genetics Tuebingen Variant Classification Criteria Version 2. Collection method: clinical testing. Allele origin: germline. Affected: yes. Observed: 1 variant allele.
Comment: CFAP58: PM2, BP4